The following is an entry in ClinVar:

NM_001365276.2(TNXB):c.8842G>C (p.Glu2948Gln)

Gene: TNXB (tenascin XB; minus strand). Cytogenetic location: 6p21.33.
Variant type: single nucleotide variant.
Coding change: c.8842G>C on transcript NM_001365276.2 (MANE Select); coding-DNA position 8842, G replaced by C.
Protein change: p.Glu2948Gln; replaces glutamic acid 2948 with glutamine.
Molecular consequence: missense variant.
Genome position (GRCh38, 1-based): chr6:32,052,943, C>G on the plus strand (G>C on the coding strand, the complement: TNXB is on the minus strand). VCF-style: chr6-32052943-C-G. GRCh37 (hg19) VCF-style: chr6-32020720-C-G.
Other names: c.8836G>C, p.Glu2946Gln (NM_019105.8); short protein forms E2946Q, E2948Q.
Identifiers: ClinVar variation 2295463 (VCV002295463.3), dbSNP rs755214571, ClinGen allele CA3733723.

ClinVar aggregate classification (germline): Uncertain significance. Review status: criteria provided, multiple submitters, no conflicts (2 of 4 stars). 2 submissions from 2 submitters: Uncertain significance (2). Last evaluated 2026-06-08.

Conditions:
Cardiovascular phenotype. Identifiers: MedGen CN230736.

gnomAD v4.1: 65 of 1,612,582 alleles (0.004%); highest among the groups gnomAD compares: Non-Finnish European, 0.0053%; no homozygotes.

Submissions (2):

Women's Health and Genetics/Laboratory Corporation of America, LabCorp
Classification: Uncertain significance. Last evaluated: 2026-06-08. Review status: criteria provided, single submitter. Criteria: LabCorp Variant Classification Summary - May 2015. Collection method: clinical testing. Allele origin: germline.

Ambry Genetics
Classification: Uncertain significance for Cardiovascular phenotype. Last evaluated: 2023-11-23. Review status: criteria provided, single submitter. Criteria: Ambry Variant Classification Scheme 2023. Collection method: clinical testing. Allele origin: germline.
Comment: The p.E2946Q variant (also known as c.8836G>C), located in coding exon 25 of the TNXB gene, results from a G to C substitution at nucleotide position 8836. The glutamic acid at codon 2946 is replaced by glutamine, an amino acid with highly similar properties. This amino acid position is conserved. In addition, this alteration is predicted to be tolerated by in silico analysis. Since supporting evidence is limited at this time, the clinical significance of this alteration remains unclear.